The following is an entry in ClinVar:

NM_000289.6(PFKM):c.2096G>A (p.Arg699Gln)

Gene: PFKM (phosphofructokinase, muscle; plus strand). Cytogenetic location: 12q13.11.
Variant type: single nucleotide variant.
Coding change: c.2096G>A on transcript NM_000289.6 (MANE Select); coding-DNA position 2096, G replaced by A.
Protein change: p.Arg699Gln; replaces arginine 699 with glutamine.
Molecular consequence: missense variant. On other transcripts: non-coding transcript variant (6).
Genome position (GRCh38, 1-based): chr12:48,145,213, G>A. VCF-style: chr12-48145213-G-A. GRCh37 (hg19) VCF-style: chr12-48538996-G-A.
Other names: c.2309G>A, p.Arg770Gln (NM_001166686.2, NM_001354737.1, NM_001354738.1 and 1 more transcripts); c.2096G>A, p.Arg699Gln (NM_001166687.2, NM_001166688.2, NM_001354742.2 and 2 more transcripts); c.2405G>A, p.Arg802Gln (NM_001354735.1, NM_001354736.1); c.2240G>A, p.Arg747Gln (NM_001354740.1); c.2120G>A, p.Arg707Gln (NM_001354741.2); c.2009G>A, p.Arg670Gln (NM_001354745.2); c.1970G>A, p.Arg657Gln (NM_001354746.2); c.1946G>A, p.Arg649Gln (NM_001354747.2, NM_001354748.2); and 1 more; short protein forms R707Q, R802Q, R657Q, R668Q, R670Q, R770Q, R649Q, R699Q.
Identifiers: ClinVar variation 1412576 (VCV001412576.4), dbSNP rs770276917, ClinGen allele CA6537550.

ClinVar aggregate classification (germline): Uncertain significance (1 of 4 stars; one submission).

Conditions:
Glycogen storage disease, type VII (GSD7). Also called: MUSCLE PHOSPHOFRUCTOKINASE DEFICIENCY; PFKM DEFICIENCY; TARUI DISEASE; GSD VII. Identifiers: Orphanet 371, MedGen C0017926, MONDO:0009295, OMIM 232800.

Allele frequency attached by ClinVar (database versions not stated): ExAC 0.00001; gnomAD 0.00001; gnomAD exomes 0.00001; 1000 Genomes Project 30x 0.00031.

Submission:

Labcorp Genetics (formerly Invitae), Labcorp
Classification: Uncertain significance for Glycogen storage disease, type VII. Last evaluated: 2024-02-17. Review status: criteria provided, single submitter. Criteria: Invitae Variant Classification Sherloc (09022015). Collection method: clinical testing. Allele origin: germline.
Comment: This sequence change replaces arginine, which is basic and polar, with glutamine, which is neutral and polar, at codon 699 of the PFKM protein (p.Arg699Gln). This variant is present in population databases (rs770276917, gnomAD 0.003%). This variant has not been reported in the literature in individuals affected with PFKM-related conditions. ClinVar contains an entry for this variant (Variation ID: 1412576). Advanced modeling of protein sequence and biophysical properties (such as structural, functional, and spatial information, amino acid conservation, physicochemical variation, residue mobility, and thermodynamic stability) performed at Invitae indicates that this missense variant is not expected to disrupt PFKM protein function with a negative predictive value of 80%. In summary, the available evidence is currently insufficient to determine the role of this variant in disease. Therefore, it has been classified as a Variant of Uncertain Significance.